The following is an entry in ClinVar:

ClinVar aggregate classification (germline): Likely benign (1 of 4 stars; one submission).

Conditions:
Primary immunodeficiency with natural-killer cell deficiency and adrenal insufficiency (IMD54). Also called: Natural killer cell and glucocorticoid deficiency with DNA repair defect; IMMUNODEFICIENCY 54. Identifiers: Orphanet 75391, MedGen C1864947, MONDO:0012383, OMIM 609981.

Allele frequency attached by ClinVar (database versions not stated): 1000 Genomes Project 30x 0.00078; 1000 Genomes Project 0.00100; gnomAD 0.00108 and 0.00111; TOPMed 0.00124.

Submission:

Illumina Laboratory Services, Illumina
Classification: Likely benign for Primary immunodeficiency with natural-killer cell deficiency and adrenal insufficiency. Last evaluated: 2018-01-13. Review status: criteria provided, single submitter. Criteria: ICSL Variant Classification Criteria 13 December 2019. Collection method: clinical testing. Allele origin: germline.
Comment: This variant was observed in the ICSL laboratory as part of a predisposition screen in an ostensibly healthy population. It had not been previously curated by ICSL or reported in the Human Gene Mutation Database (HGMD: prior to June 1st, 2018), and was therefore a candidate for classification through an automated scoring system. Utilizing variant allele frequency, disease prevalence and penetrance estimates, and inheritance mode, an automated score was calculated to assess if this variant is too frequent to cause the disease. Based on the score and internal cut-off values, a variant classified as likely benign is not then subjected to further curation. The score for this variant resulted in a classification of likely benign for this disease.

NM_182746.3(MCM4):c.*871G>A

Gene: MCM4 (minichromosome maintenance complex component 4; plus strand). Cytogenetic location: 8q11.21.
Variant type: single nucleotide variant.
Coding change: c.*871G>A on transcript NM_182746.3 (MANE Select); 871 bases downstream of the stop codon, G replaced by A.
Molecular consequence: 3 prime UTR variant.
Genome position (GRCh38, 1-based): chr8:47,977,649, G>A. VCF-style: chr8-47977649-G-A. GRCh37 (hg19) VCF-style: chr8-48890209-G-A.
Other names: c.*871G>A (LRG_1239t1, NM_005914.4).
Identifiers: ClinVar variation 363250 (VCV000363250.5), dbSNP rs192670035, ClinGen allele CA10625559.
Genomic context (GRCh38, chr8:47,977,649, plus strand): 5'-CTCCTGGGCTCAGGTGTATGTCACTATGCCCGGCTACTTTTTGTATTTTTTGGTAGAGAC[G>A]GCTTCGCCACGTTGCCCAGGCTGCAAGCGATATGCCTAGGCTCAAGCGATCTGCCCACCT-3'